The following is an entry in ClinVar:

NM_005592.4(MUSK):c.697T>C (p.Cys233Arg)

Gene: MUSK (muscle associated receptor tyrosine kinase; plus strand). Cytogenetic location: 9q31.3.
Variant type: single nucleotide variant.
Coding change: c.697T>C on transcript NM_005592.4 (MANE Select); coding-DNA position 697, T replaced by C.
Protein change: p.Cys233Arg; replaces cysteine 233 with arginine.
Molecular consequence: missense variant. On other transcripts: 5 prime UTR variant (1).
Genome position (GRCh38, 1-based): chr9:110,734,319, T>C. VCF-style: chr9-110734319-T-C. GRCh37 (hg19) VCF-style: chr9-113496599-T-C.
Other names: c.727T>C, p.Cys243Arg (NM_001166280.2); c.697T>C, p.Cys233Arg (NM_001166281.2); c.-540T>C (NM_001369398.1); short protein forms C233R, C243R.
Identifiers: ClinVar variation 547046 (VCV000547046.47), dbSNP rs376911820, ClinGen allele CA198348788.

ClinVar aggregate classification (germline): Uncertain significance. Review status: criteria provided, multiple submitters, no conflicts (2 of 4 stars). 2 submissions from 2 submitters: Uncertain significance (2). Last evaluated 2022-08-15.

Conditions:
Fetal akinesia deformation sequence 1 (FADS1). Also called: Pena-Shokeir syndrome type I; Fetal akinesia sequence. Identifiers: Orphanet 994, MedGen C1276035, MONDO:0100101, OMIM 208150, HP:0001989.
Congenital myasthenic syndrome 9. Also called: Myasthenic syndrome, congenital, 9, associated with acetylcholine receptor deficiency. Identifiers: Orphanet 590, MedGen C4225368, MONDO:0014587, OMIM 616325.

Allele frequency attached by ClinVar (database versions not stated): gnomAD 0.00001; gnomAD exomes 0.00001; TOPMed 0.00001; ESP Exome Variant Server 0.00008.
gnomAD v4.1: 12 of 1,613,200 alleles (0.00074%); highest among the groups gnomAD compares: Non-Finnish European, 0.00093%; no homozygotes.

Submissions (2):

Labcorp Genetics (formerly Invitae), Labcorp
Classification: Uncertain significance for Congenital myasthenic syndrome 9; Fetal akinesia deformation sequence 1. Last evaluated: 2022-08-15. Review status: criteria provided, single submitter. Criteria: Invitae Variant Classification Sherloc (09022015). Collection method: clinical testing. Allele origin: germline.
Comment: This sequence change replaces cysteine, which is neutral and slightly polar, with arginine, which is basic and polar, at codon 233 of the MUSK protein (p.Cys233Arg). This variant is not present in population databases (gnomAD no frequency). This variant has not been reported in the literature in individuals affected with MUSK-related conditions. ClinVar contains an entry for this variant (Variation ID: 547046). Advanced modeling of protein sequence and biophysical properties (such as structural, functional, and spatial information, amino acid conservation, physicochemical variation, residue mobility, and thermodynamic stability) performed at Invitae indicates that this missense variant is expected to disrupt MUSK protein function. In summary, the available evidence is currently insufficient to determine the role of this variant in disease. Therefore, it has been classified as a Variant of Uncertain Significance.

CeGaT Center for Human Genetics Tuebingen
Classification: Uncertain significance. Last evaluated: 2018-01-01. Review status: criteria provided, single submitter. Criteria: CeGaT Center For Human Genetics Tuebingen Variant Classification Criteria Version 2. Collection method: clinical testing. Allele origin: germline. Affected: yes. Observed: 1 variant allele.